The following is an entry in ClinVar:

ClinVar aggregate classification (germline): Uncertain significance (1 of 4 stars; one submission).

Conditions:
Neuroblastoma, susceptibility to, 3. Also called: ALK-Related Neuroblastic Tumor Susceptibility. Identifiers: Orphanet 635, MedGen C2751681, MONDO:0013083, OMIM 613014.

Submission:

Labcorp Genetics (formerly Invitae), Labcorp
Classification: Uncertain significance for Neuroblastoma, susceptibility to, 3. Last evaluated: 2023-12-28. Review status: criteria provided, single submitter. Criteria: Invitae Variant Classification Sherloc (09022015). Collection method: clinical testing. Allele origin: germline.
Comment: This sequence change disrupts the translational stop signal of the ALK mRNA. It is expected to extend the length of the ALK protein by 11 additional amino acid residues. This variant is not present in population databases (gnomAD no frequency). This variant has not been reported in the literature in individuals affected with ALK-related conditions. Experimental studies and prediction algorithms are not available or were not evaluated, and the functional significance of this variant is currently unknown. In summary, the available evidence is currently insufficient to determine the role of this variant in disease. Therefore, it has been classified as a Variant of Uncertain Significance.

NM_004304.5(ALK):c.4861_*4del (p.Ter1621GlyextTer?)

Gene: ALK (ALK receptor tyrosine kinase; minus strand). Cytogenetic location: 2p23.2.
Variant type: Deletion.
Coding change: c.4861_*4del on transcript NM_004304.5 (MANE Select); coding-DNA position 4861 through 4 bases downstream of the stop codon, 7 bases deleted (TGAGCTC; older notation c.4861_*4delTGAGCTC).
Protein change: p.Ter1621GlyextTer?.
Molecular consequence: frameshift variant, stop lost.
Genome position (GRCh38, 1-based): chr2:29,193,220-29,193,226, GAGCTCA deleted on the plus strand (TGAGCTC on the coding strand, the reverse complement: ALK is on the minus strand); deleting any 7 consecutive bases within chr2:29,193,220-29,193,227 gives the same sequence; the c. name uses the placement nearest the transcript's 3' end. VCF-style (leftmost placement, unchanged base first): chr2-29193219-CGAGCTCA-C. GRCh37 (hg19) VCF-style: chr2-29416085-CGAGCTCA-C.
Other names: c.1657_*4del, p.Ter553GlyextTer? (NM_001353765.2).
Identifiers: ClinVar variation 2706000 (VCV002706000.3), dbSNP rs2465872151, ClinGen allele CA2697547956.